The following is an entry in ClinVar:

ClinVar aggregate classification (germline): Likely benign. Review status: criteria provided, multiple submitters, no conflicts (2 of 4 stars). 3 submissions from 3 submitters: Likely benign (2). 1 of the submissions does not count toward it. Last evaluated 2023-10-27.

Conditions:
PCNT-related disorder. Also called: PCNT-related condition.

Allele frequency attached by ClinVar (database versions not stated): gnomAD 0.00001.
gnomAD v4.1: 1 of 1,613,940 alleles (0.000062%); highest among the groups gnomAD compares: Non-Finnish European, 0.000085%; no homozygotes.

Submissions (3):

Labcorp Genetics (formerly Invitae), Labcorp
Classification: Likely benign. Last evaluated: 2023-10-27. Review status: criteria provided, single submitter. Criteria: Invitae Variant Classification Sherloc (09022015). Collection method: clinical testing. Allele origin: germline.

Blueprint Genetics
Classification: Likely benign. Last evaluated: 2020-08-17. Review status: criteria provided, single submitter. Criteria: ACMG Guidelines, 2015. Collection method: clinical testing. Allele origin: germline.

PreventionGenetics, part of Exact Sciences
Classification: Likely benign for PCNT-related condition. Last evaluated: 2022-05-04. Review status: no assertion criteria provided. Collection method: clinical testing. Allele origin: germline. Not counted in ClinVar's aggregate classification.
Comment: This variant is classified as likely benign based on ACMG/AMP sequence variant interpretation guidelines (Richards et al. 2015 PMID: 25741868, with internal and published modifications).

NM_006031.6(PCNT):c.1698A>G (p.Leu566=)

Gene: PCNT (pericentrin; plus strand). Cytogenetic location: 21q22.3.
Variant type: single nucleotide variant.
Coding change: c.1698A>G on transcript NM_006031.6 (MANE Select); coding-DNA position 1698, A replaced by G.
Protein change: p.Leu566=; no amino-acid change (leucine 566 retained).
Molecular consequence: synonymous variant.
Genome position (GRCh38, 1-based): chr21:46,354,005, A>G. VCF-style: chr21-46354005-A-G. GRCh37 (hg19) VCF-style: chr21-47773919-A-G.
Other names: c.1698A>G (NM_006031.5); c.1344A>G, p.Leu448= (NM_001315529.2).
Identifiers: ClinVar variation 2878132 (VCV002878132.5), dbSNP rs2084378979, ClinGen allele CA512731897.